The following is an entry in ClinVar:

NM_004260.4(RECQL4):c.3356T>C (p.Met1119Thr)

Gene: RECQL4 (RecQ like helicase 4; minus strand). Cytogenetic location: 8q24.3.
Variant type: single nucleotide variant.
Coding change: c.3356T>C on transcript NM_004260.4 (MANE Select); coding-DNA position 3356, T replaced by C.
Protein change: p.Met1119Thr; replaces methionine 1119 with threonine.
Molecular consequence: missense variant. On other transcripts: non-coding transcript variant (3).
Genome position (GRCh38, 1-based): chr8:144,511,948, A>G on the plus strand (T>C on the coding strand, the complement: RECQL4 is on the minus strand). VCF-style: chr8-144511948-A-G. GRCh37 (hg19) VCF-style: chr8-145737331-A-G.
Other names: c.3062T>C, p.Met1021Thr (NM_001413017.1); c.3158T>C, p.Met1053Thr (NM_001413018.1); c.3431T>C, p.Met1144Thr (NM_001413019.1); c.3260T>C, p.Met1087Thr (NM_001413020.1); c.2285T>C, p.Met762Thr (NM_001413021.1, NM_001413022.1, NM_001413024.1 and 4 more transcripts); c.2360T>C, p.Met787Thr (NM_001413023.1); c.3227T>C, p.Met1076Thr (NM_001413025.1); c.2219T>C, p.Met740Thr (NM_001413027.1, NM_001413030.1, NM_001413032.1); and 9 more; short protein forms M1002T, M1053T, M1076T, M1109T, M740T, M762T, M765T, M787T.
Identifiers: ClinVar variation 2898413 (VCV002898413.3), dbSNP rs764549432, ClinGen allele CA4947807.

ClinVar aggregate classification (germline): Uncertain significance (1 of 4 stars; one submission).

Conditions:
Baller-Gerold syndrome (BGS). Also called: CRANIOSYNOSTOSIS WITH RADIAL DEFECTS. Identifiers: Orphanet 1225, MedGen C0265308, MONDO:0009039, OMIM 218600.

Allele frequency attached by ClinVar (database versions not stated): gnomAD exomes below 0.00001; ExAC 0.00001; gnomAD 0.00001.

Submission:

Labcorp Genetics (formerly Invitae), Labcorp
Classification: Uncertain significance for Baller-Gerold syndrome. Last evaluated: 2025-04-27. Review status: criteria provided, single submitter. Criteria: Invitae Variant Classification Sherloc (09022015). Collection method: clinical testing. Allele origin: germline.
Comment: This sequence change replaces methionine, which is neutral and non-polar, with threonine, which is neutral and polar, at codon 1119 of the RECQL4 protein (p.Met1119Thr). This variant is present in population databases (rs764549432, gnomAD 0.0009%). This variant has not been reported in the literature in individuals affected with RECQL4-related conditions. ClinVar contains an entry for this variant (Variation ID: 2898413). An algorithm developed to predict the effect of missense changes on protein structure and function outputs the following: PolyPhen-2: "Not Available". The threonine amino acid residue is found in multiple mammalian species, which suggests that this missense change does not adversely affect protein function. In summary, the available evidence is currently insufficient to determine the role of this variant in disease. Therefore, it has been classified as a Variant of Uncertain Significance.